The following is an entry in ClinVar:

ClinVar aggregate classification (germline): Uncertain significance (1 of 4 stars; one submission).

Allele frequency attached by ClinVar (database versions not stated): TOPMed below 0.00001; gnomAD 0.00001.
gnomAD v4.1: 1 of 1,614,088 alleles (0.000062%); highest among the groups gnomAD compares: Admixed American, 0.0017%; no homozygotes.

Submission:

Labcorp Genetics (formerly Invitae), Labcorp
Classification: Uncertain significance. Last evaluated: 2024-10-15. Review status: criteria provided, single submitter. Criteria: Invitae Variant Classification Sherloc (09022015). Collection method: clinical testing. Allele origin: germline.
Comment: This sequence change replaces glutamine, which is neutral and polar, with leucine, which is neutral and non-polar, at codon 50 of the MRPS16 protein (p.Gln50Leu). This variant is not present in population databases (gnomAD no frequency). This variant has not been reported in the literature in individuals affected with MRPS16-related conditions. ClinVar contains an entry for this variant (Variation ID: 1995095). An algorithm developed to predict the effect of missense changes on protein structure and function (PolyPhen-2) suggests that this variant is likely to be disruptive. In summary, the available evidence is currently insufficient to determine the role of this variant in disease. Therefore, it has been classified as a Variant of Uncertain Significance.

NM_016065.4(MRPS16):c.149A>T (p.Gln50Leu)

Genes: DNAJC9-AS1 (DNAJC9 and MRPS16 antisense RNA 1; plus strand), MRPS16 (mitochondrial ribosomal protein S16; minus strand). Cytogenetic location: 10q22.2.
Variant type: single nucleotide variant.
Coding change: c.149A>T on transcript NM_016065.4 (MANE Select); coding-DNA position 149, A replaced by T.
Protein change: p.Gln50Leu; replaces glutamine 50 with leucine.
Molecular consequence: missense variant.
Genome position (GRCh38, 1-based): chr10:73,251,888, T>A on the plus strand (A>T on the coding strand, the complement: MRPS16 is on the minus strand). VCF-style: chr10-73251888-T-A. GRCh37 (hg19) VCF-style: chr10-75011646-T-A.
Other names: c.149A>T, p.Gln50Leu (NM_001410935.1); short protein forms Q50L.
Identifiers: ClinVar variation 1995095 (VCV001995095.4), dbSNP rs1317569684, ClinGen allele CA377193138.